The following is an entry in ClinVar:

NM_138694.4(PKHD1):c.5462del (p.Asp1820_Leu1821insTer)

Gene: PKHD1 (PKHD1 ciliary IPT domain containing fibrocystin/polyductin; minus strand). Cytogenetic location: 6p12.2.
Variant type: Deletion.
Coding change: c.5462del on transcript NM_138694.4 (MANE Select); coding-DNA position 5462, one base deleted (T; older notation c.5462delT).
Protein change: p.Asp1820_Leu1821insTer.
Molecular consequence: nonsense.
Genome position (GRCh38, 1-based): chr6:52,017,548, A deleted on the plus strand (T on the coding strand, the reverse complement: PKHD1 is on the minus strand); the first of 3 consecutive A bases (chr6:52,017,548-52,017,550); deleting any one gives the same sequence. VCF-style (leftmost placement, unchanged base first): chr6-52017547-CA-C. GRCh37 (hg19) VCF-style: chr6-51882345-CA-C.
Other names: c.5462del, p.Asp1820_Leu1821insTer (NM_170724.3).
Identifiers: ClinVar variation 1454218 (VCV001454218.6), dbSNP rs2128130342, ClinGen allele CA2573140950.

ClinVar aggregate classification (germline): Pathogenic (1 of 4 stars; one submission).

Conditions:
Autosomal recessive polycystic kidney disease (ARPKD). Also called: AR polycystic kidney disease. Identifiers: Orphanet 731, Orphanet 8378, MedGen C0085548, MeSH D017044, MONDO:0009889.

Submission:

Labcorp Genetics (formerly Invitae), Labcorp
Classification: Pathogenic for Autosomal recessive polycystic kidney disease. Last evaluated: 2021-12-22. Review status: criteria provided, single submitter. Criteria: Invitae Variant Classification Sherloc (09022015). Collection method: clinical testing. Allele origin: germline.
Comment: This sequence change creates a premature translational stop signal (p.Leu1821*) in the PKHD1 gene. It is expected to result in an absent or disrupted protein product. Loss-of-function variants in PKHD1 are known to be pathogenic (PMID: 19940839). This variant is not present in population databases (gnomAD no frequency). This variant has not been reported in the literature in individuals affected with PKHD1-related conditions. For these reasons, this variant has been classified as Pathogenic.

Literature cited by the submitters: PubMed 19940839.